The following is an entry in ClinVar:

NM_001278512.2(AP3B2):c.3073C>T (p.Arg1025Trp)

Genes: AP3B2 (adaptor related protein complex 3 subunit beta 2; minus strand), CPEB1-AS1 (CPEB1 antisense RNA 1; plus strand). Cytogenetic location: 15q25.2.
Variant type: single nucleotide variant.
Coding change: c.3073C>T on transcript NM_001278512.2 (MANE Select); coding-DNA position 3073, C replaced by T.
Protein change: p.Arg1025Trp; replaces arginine 1025 with tryptophan.
Molecular consequence: missense variant.
Genome position (GRCh38, 1-based): chr15:82,659,927, G>A on the plus strand (C>T on the coding strand, the complement: AP3B2 is on the minus strand). VCF-style: chr15-82659927-G-A. GRCh37 (hg19) VCF-style: chr15-83328679-G-A.
Other names: c.2920C>T, p.Arg974Trp (NM_001278511.2); c.205C>T, p.Arg69Trp (NM_001348441.2); c.3016C>T, p.Arg1006Trp (NM_004644.5); c.3016C>T (NM_004644.3); short protein forms R1025W, R69W, R974W, R1006W.
Identifiers: ClinVar variation 1461055 (VCV001461055.6), dbSNP rs368331201, ClinGen allele CA7699705.

ClinVar aggregate classification (germline): Uncertain significance. Review status: criteria provided, multiple submitters, no conflicts (2 of 4 stars). 2 submissions from 2 submitters: Uncertain significance (2). Last evaluated 2024-12-11.

Conditions:
Inborn genetic diseases. Identifiers: MedGen C0950123, MeSH D030342.

Allele frequency attached by ClinVar (database versions not stated): gnomAD exomes 0.00002; ExAC 0.00003; TOPMed 0.00005; gnomAD 0.00007 and 0.00010; ESP Exome Variant Server 0.00008.
gnomAD v4.1: 31 of 1,613,794 alleles (0.0019%); highest among the groups gnomAD compares: African/African-American, 0.023%; no homozygotes.

Submissions (2):

Ambry Genetics
Classification: Uncertain significance for Inborn genetic diseases. Last evaluated: 2024-12-11. Review status: criteria provided, single submitter. Criteria: Ambry Variant Classification Scheme 2023. Collection method: clinical testing. Allele origin: germline.

Labcorp Genetics (formerly Invitae), Labcorp
Classification: Uncertain significance. Last evaluated: 2022-07-19. Review status: criteria provided, single submitter. Criteria: Invitae Variant Classification Sherloc (09022015). Collection method: clinical testing. Allele origin: germline.
Comment: This sequence change replaces arginine, which is basic and polar, with tryptophan, which is neutral and slightly polar, at codon 1006 of the AP3B2 protein (p.Arg1006Trp). This variant is present in population databases (rs368331201, gnomAD 0.02%). This variant has not been reported in the literature in individuals affected with AP3B2-related conditions. ClinVar contains an entry for this variant (Variation ID: 1461055). Algorithms developed to predict the effect of missense changes on protein structure and function output the following: SIFT: "Deleterious"; PolyPhen-2: "Possibly Damaging"; Align-GVGD: "Class C0". The tryptophan amino acid residue is found in multiple mammalian species, which suggests that this missense change does not adversely affect protein function. In summary, the available evidence is currently insufficient to determine the role of this variant in disease. Therefore, it has been classified as a Variant of Uncertain Significance.